The following is an entry in ClinVar:

ClinVar aggregate classification (germline): Likely pathogenic (1 of 4 stars; one submission).

Conditions:
Maple syrup urine disease (MSUD). Identifiers: Orphanet 511, MedGen C0024776, MeSH D008375, MONDO:0009563. Disease mechanism: loss of function.

Submission:

Myriad Genetics, Inc.
Classification: Likely pathogenic for Maple syrup urine disease type 1A. Last evaluated: 2022-05-26. Review status: criteria provided, single submitter. Criteria: Myriad Women's Health Autosomal Recessive and X-Linked Classification Criteria (2021). Collection method: clinical testing. Allele origin: unknown.
Comment: NM_001918.3(DBT):c.777_778delTCinsA(F259Lfs*13) is expected to be pathogenic in the context of maple syrup urine disease type II. This variant is predicted to lead to an abnormal or absent protein product due to the creation of a premature termination codon in DBT, a gene where loss-of-function variants are known to be pathogenic. Please note: this variant was assessed in the context of healthy population screening.

NM_001918.5(DBT):c.777_778delinsA (p.Phe259fs)

Gene: DBT (dihydrolipoamide branched chain transacylase E2; minus strand). Cytogenetic location: 1p21.2.
Variant type: Indel.
Coding change: c.777_778delinsA on transcript NM_001918.5 (MANE Select); coding-DNA positions 777 to 778, TC replaced by A.
Protein change: p.Phe259fs; shifts the reading frame from phenylalanine 259.
Molecular consequence: frameshift variant. On other transcripts: non-coding transcript variant (4).
Genome position (GRCh38, 1-based): chr1:100,214,978-100,214,979, GA replaced by T on the plus strand (TC replaced by A on the coding strand, the reverse complement: DBT is on the minus strand). VCF-style: chr1-100214978-GA-T. GRCh37 (hg19) VCF-style: chr1-100680534-GA-T.
Other names: c.234_235delinsA, p.Phe78fs (NM_001399972.1, NM_001399969.1); short protein forms F259fs, F78fs.
Identifiers: ClinVar variation 1726224 (VCV001726224.2), dbSNP rs2524148155, ClinGen allele CA2580060684.